The following is an entry in ClinVar:

NM_001220.5(CAMK2B):c.1553C>T (p.Pro518Leu)

Gene: CAMK2B (calcium/calmodulin dependent protein kinase II beta; minus strand). Cytogenetic location: 7p13.
Variant type: single nucleotide variant.
Coding change: c.1553C>T on transcript NM_001220.5 (MANE Select); coding-DNA position 1553, C replaced by T.
Protein change: p.Pro518Leu; replaces proline 518 with leucine.
Molecular consequence: missense variant. On other transcripts: intron variant (8).
Genome position (GRCh38, 1-based): chr7:44,226,560, G>A on the plus strand (C>T on the coding strand, the complement: CAMK2B is on the minus strand). VCF-style: chr7-44226560-G-A. GRCh37 (hg19) VCF-style: chr7-44266159-G-A.
Other names: c.947-5659C>T (NM_172084.3); c.1150+4446C>T (NM_172080.3); c.1036+4446C>T (NM_172083.3); c.1108+4446C>T (NM_172081.3); c.1153+4446C>T (NM_172079.3, NM_172082.3); c.1225+4446C>T (NM_001293170.2, NM_172078.3); c.1553C>T (NM_001220.4); short protein forms P518L.
Identifiers: ClinVar variation 1604535 (VCV001604535.33), dbSNP rs200866892, ClinGen allele CA4240239.
Genomic context (GRCh38, chr7:44,226,560, plus strand): 5'-TCAAGGTGCTACTTACATGGGGTGGGCAGGGGGCCAGGGATAGTCGGAGATGGGCAGGGC[G>A]GGGGCCCCACTGGCGAGGGGCCCTCGGCTTCTGGGGTCCCTGAGCCCCTCCTCACAGAGT-3'
Protein context (NP_001211.3, residues 508-528): EAEGPSPVGP[Pro518Leu]PCPSPTIPGP

ClinVar aggregate classification (germline): Benign/Likely benign. Review status: criteria provided, multiple submitters, no conflicts (2 of 4 stars). 5 submissions from 5 submitters: Benign (1); Likely benign (3). 1 of the submissions does not count toward it. Last evaluated 2026-07-01.

Conditions:
CAMK2B-related disorder. Also called: CAMK2B-related condition.
Inborn genetic diseases. Identifiers: MedGen C0950123, MeSH D030342.

Allele frequency attached by ClinVar (database versions not stated): ESP Exome Variant Server 0.00026; gnomAD 0.00059 and 0.00061; gnomAD exomes 0.00068; 1000 Genomes Project 30x 0.00078; 1000 Genomes Project 0.00080; TOPMed 0.00085.
gnomAD v4.1: 979 of 1,459,978 alleles (0.067%); highest among the groups gnomAD compares: Admixed American, 0.1%; no homozygotes.

Submissions (5):

CeGaT Center for Human Genetics Tuebingen
Classification: Likely benign. Last evaluated: 2026-07-01. Review status: criteria provided, single submitter. Criteria: CeGaT Center For Human Genetics Tuebingen Variant Classification Criteria Version 2. Collection method: clinical testing. Allele origin: germline. Affected: yes. Observed: 4 variant alleles.
Comment: CAMK2B: BP4, BS1

Labcorp Genetics (formerly Invitae), Labcorp
Classification: Benign. Last evaluated: 2026-02-01. Review status: criteria provided, single submitter. Criteria: Invitae Variant Classification Sherloc (09022015). Collection method: clinical testing. Allele origin: germline.

Ambry Genetics
Classification: Likely benign for Inborn genetic diseases. Last evaluated: 2025-08-07. Review status: criteria provided, single submitter. Criteria: Ambry Variant Classification Scheme 2023. Collection method: clinical testing. Allele origin: germline.

Blueprint Genetics
Classification: Likely benign. Last evaluated: 2024-11-12. Review status: criteria provided, single submitter. Criteria: ACMG Guidelines, 2015. Collection method: clinical testing. Allele origin: germline.

PreventionGenetics, part of Exact Sciences
Classification: Likely benign for CAMK2B-related condition. Last evaluated: 2021-03-08. Review status: no assertion criteria provided. Collection method: clinical testing. Allele origin: germline. Not counted in ClinVar's aggregate classification.
Comment: This variant is classified as likely benign based on ACMG/AMP sequence variant interpretation guidelines (Richards et al. 2015 PMID: 25741868, with internal and published modifications).